The following is an entry in ClinVar:

NM_015629.4(PRPF31):c.1075_1134dup (p.Met378_Ser379insTyrArgLysMetLysGluArgLeuGlyLeuThrGluIleArgLysGlnAlaAsnArgMet)

Gene: PRPF31 (pre-mRNA processing factor 31; plus strand). Cytogenetic location: 19q13.42.
Variant type: Duplication.
Coding change: c.1075_1134dup on transcript NM_015629.4 (MANE Select); coding-DNA positions 1075 to 1134, 60 bases duplicated.
Protein change: p.Met378_Ser379insTyrArgLysMetLysGluArgLeuGlyLeuThrGluIleArgLysGlnAlaAsnArgMet.
Genome position (GRCh38, 1-based): chr19:54,128,306-54,128,365, 60 bases duplicated. GRCh37 (hg19): chr19:54,631,681-54,631,740.
Identifiers: ClinVar variation 3675552 (VCV003675552.2).

ClinVar aggregate classification (germline): Uncertain significance (1 of 4 stars; one submission).

Submission:

Labcorp Genetics (formerly Invitae), Labcorp
Classification: Uncertain significance. Last evaluated: 2025-05-11. Review status: criteria provided, single submitter. Criteria: Invitae Variant Classification Sherloc (09022015). Collection method: clinical testing. Allele origin: germline.
Comment: This variant, c.1075_1134dup, results in the insertion of 20 amino acid(s) of the PRPF31 protein (p.Tyr359_Met378dup), but otherwise preserves the integrity of the reading frame. This variant is not present in population databases (gnomAD no frequency). This variant has been observed in individual(s) with clinical features of retinitis pigmentosa (internal data). ClinVar contains an entry for this variant (Variation ID: 3675552). Experimental studies and prediction algorithms are not available or were not evaluated, and the functional significance of this variant is currently unknown. In summary, the available evidence is currently insufficient to determine the role of this variant in disease. Therefore, it has been classified as a Variant of Uncertain Significance.